The following is an entry in ClinVar:

ClinVar aggregate classification (germline): Uncertain significance (1 of 4 stars; one submission).

Submission:

Labcorp Genetics (formerly Invitae), Labcorp
Classification: Uncertain significance. Last evaluated: 2022-06-10. Review status: criteria provided, single submitter. Criteria: Invitae Variant Classification Sherloc (09022015). Collection method: clinical testing. Allele origin: germline.
Comment: In summary, the available evidence is currently insufficient to determine the role of this variant in disease. Therefore, it has been classified as a Variant of Uncertain Significance. Algorithms developed to predict the effect of missense changes on protein structure and function are either unavailable or do not agree on the potential impact of this missense change (SIFT: "Not Available"; PolyPhen-2: "Probably Damaging"; Align-GVGD: "Not Available"). This variant has not been reported in the literature in individuals affected with COX10-related conditions. Information on the frequency of this variant in the gnomAD database is not available, as this variant may be reported differently in the database. This sequence change replaces leucine, which is neutral and non-polar, with proline, which is neutral and non-polar, at codon 168 of the COX10 protein (p.Leu168Pro).

NM_001303.4(COX10):c.503_504inv (p.Leu168Pro)

Gene: COX10 (cytochrome c oxidase assembly factor heme A:farnesyltransferase COX10; plus strand). Cytogenetic location: 17p12.
Variant type: Inversion.
Coding change: c.503_504inv on transcript NM_001303.4 (MANE Select).
Protein change: p.Leu168Pro; replaces leucine 168 with proline.
Molecular consequence: missense variant.
Genome position: GRCh38 VCF-style: chr17-14102121-TG-CA. GRCh37 (hg19) VCF-style: chr17-14005438-TG-CA.
Other names: short protein forms L168P.
Identifiers: ClinVar variation 1979269 (VCV001979269.4), ClinGen allele CA2580092559.
Genomic context (GRCh38, chr17:14,102,121, plus strand): 5'-CTTTACAGTTGGGACTCCTGTTGGTAACAGTGTGTCTGCTCTGTTTCTGTATCGCAGCTC[TG>CA]GTTGTAAGTACCACTGCAGCTGGATTTGCATTGGCTCCGGGCCCTTTTGACTGGCCCTGT-3'
Protein context (NP_001294.2, residues 158-178): ARLSKIKLTA[Leu168Pro]VVSTTAAGFA